The following is an entry in ClinVar:

ClinVar aggregate classification (germline): Likely benign (1 of 4 stars; one submission).

Conditions:
PLXNA3-related disorder. Also called: PLXNA3-related condition.

Submission:

PreventionGenetics, part of Exact Sciences
Classification: Likely benign for PLXNA3-related condition. Last evaluated: 2025-02-21. Review status: criteria provided, single submitter. Criteria: ACMG Guidelines, 2015. Collection method: clinical testing. Allele origin: germline.
Comment: This variant is classified as likely benign based on ACMG/AMP sequence variant interpretation guidelines (Richards et al. 2015 PMID: 25741868, with internal and published modifications).

NM_017514.5(PLXNA3):c.3693G>A (p.Leu1231=)

Gene: PLXNA3 (plexin A3; plus strand). Cytogenetic location: Xq28.
Variant type: single nucleotide variant.
Coding change: c.3693G>A on transcript NM_017514.5 (MANE Select); coding-DNA position 3693, G replaced by A.
Protein change: p.Leu1231=; no amino-acid change (leucine 1231 retained).
Molecular consequence: synonymous variant.
Genome position (GRCh38, 1-based): chrX:154,467,874, G>A. VCF-style: chrX-154467874-G-A. GRCh37 (hg19) VCF-style: chrX-153696217-G-A.
Identifiers: ClinVar variation 4984234 (VCV004984234.1).